The following is an entry in ClinVar:

NM_133642.5(LARGE1):c.2120C>T (p.Pro707Leu)

Gene: LARGE1 (LARGE xylosyl- and glucuronyltransferase 1; minus strand). Cytogenetic location: 22q12.3.
Variant type: single nucleotide variant.
Coding change: c.2120C>T on transcript NM_133642.5 (MANE Select); coding-DNA position 2120, C replaced by T.
Protein change: p.Pro707Leu; replaces proline 707 with leucine.
Molecular consequence: missense variant.
Genome position (GRCh38, 1-based): chr22:33,274,578, G>A on the plus strand (C>T on the coding strand, the complement: LARGE1 is on the minus strand). VCF-style: chr22-33274578-G-A. GRCh37 (hg19) VCF-style: chr22-33670564-G-A.
Other names: p.Pro707Leu; c.2120C>T (NM_004737.6); c.2120C>T, p.Pro707Leu (NM_001362949.2, NM_001362951.2, NM_001362953.2 and 4 more transcripts); c.1973C>T, p.Pro658Leu (NM_001378627.1, NM_001378628.1); c.1964C>T, p.Pro655Leu (NM_001378629.1); c.1517C>T, p.Pro506Leu (NM_001378630.1); c.1214C>T, p.Pro405Leu (NM_001378631.1); short protein forms P405L, P506L, P655L, P658L, P707L.
Identifiers: ClinVar variation 2433401 (VCV002433401.4), dbSNP rs779333513, ClinGen allele CA10202555.
Genomic context (GRCh38, chr22:33,274,578, plus strand): 5'-AGACAGATGCGGTATTGCTTGTTGGAACGGAACTTGGTAATGTCGAAGCTGGGGGCATGA[G>A]GCATGTGGATCATGTAGGCGTTGGGCAGCACAATGAACTCATACTCCTGGAAGAAGACAA-3'
Protein context (NP_598397.1, residues 697-717): VLPNAYMIHM[Pro707Leu]HAPSFDITKF

ClinVar aggregate classification (germline): Uncertain significance. Review status: criteria provided, multiple submitters, no conflicts (2 of 4 stars). 2 submissions from 2 submitters: Uncertain significance (2). Last evaluated 2025-01-24.

Allele frequency attached by ClinVar (database versions not stated): ExAC 0.00001; gnomAD exomes below 0.00001.
gnomAD v4.1: 4 of 1,614,156 alleles (0.00025%); highest among the groups gnomAD compares: East Asian, 0.0022%; no homozygotes.

Submissions (2):

Mayo Clinic Laboratories, Mayo Clinic
Classification: Uncertain significance. Last evaluated: 2025-01-24. Review status: criteria provided, single submitter. Criteria: ACMG Guidelines, 2015. Collection method: clinical testing. Allele origin: germline. Observed: 1 variant allele.
Comment: PM2_supporting

Revvity Omics, Revvity
Classification: Uncertain significance. Last evaluated: 2020-03-19. Review status: criteria provided, single submitter. Criteria: ACMG Guidelines, 2015. Collection method: clinical testing. Allele origin: germline.